The following is an entry in ClinVar:

ClinVar aggregate classification (germline): Pathogenic (1 of 4 stars; one submission).

Conditions:
Centromeric instability of chromosomes 1,9 and 16 and immunodeficiency (ICF1). Also called: Immunodeficiency-centromeric instability-facial anomalies; CENTROMERIC INSTABILITY, IMMUNODEFICIENCY SYNDROME; IMMUNE DEFICIENCY, VARIABLE, WITH CENTROMERIC INSTABILITY OF CHROMOSOMES 1, 9, AND 16; IMMUNODEFICIENCY SYNDROME, VARIABLE. Identifiers: Orphanet 2268, MedGen C0398788, MONDO:0000133.

Submission:

Labcorp Genetics (formerly Invitae), Labcorp
Classification: Pathogenic for Centromeric instability of chromosomes 1,9 and 16 and immunodeficiency. Last evaluated: 2024-05-06. Review status: criteria provided, single submitter. Criteria: Invitae Variant Classification Sherloc (09022015). Collection method: clinical testing. Allele origin: germline.
Comment: This sequence change creates a premature translational stop signal (p.Trp260*) in the DNMT3B gene. It is expected to result in an absent or disrupted protein product. Loss-of-function variants in DNMT3B are known to be pathogenic (PMID: 11102980). This variant is not present in population databases (gnomAD no frequency). This variant has not been reported in the literature in individuals affected with DNMT3B-related conditions. ClinVar contains an entry for this variant (Variation ID: 958878). Algorithms developed to predict the effect of sequence changes on RNA splicing suggest that this variant may create or strengthen a splice site. For these reasons, this variant has been classified as Pathogenic.

Literature cited by the submitters: PubMed 11102980.

NM_006892.4(DNMT3B):c.780G>A (p.Trp260Ter)

Gene: DNMT3B (DNA methyltransferase 3 beta; plus strand). Cytogenetic location: 20q11.21.
Variant type: single nucleotide variant.
Coding change: c.780G>A on transcript NM_006892.4 (MANE Select); coding-DNA position 780, G replaced by A.
Protein change: p.Trp260Ter; replaces tryptophan 260 with a stop codon.
Molecular consequence: nonsense.
Genome position (GRCh38, 1-based): chr20:32,788,979, G>A. VCF-style: chr20-32788979-G-A. GRCh37 (hg19) VCF-style: chr20-31376785-G-A.
Other names: c.654G>A, p.Trp218Ter (NM_001207055.2); c.552G>A, p.Trp184Ter (NM_001207056.2); c.780G>A, p.Trp260Ter (NM_175848.2, NM_175849.2); c.816G>A, p.Trp272Ter (NM_175850.3); short protein forms W272*, W184*, W260*, W218*.
Identifiers: ClinVar variation 958878 (VCV000958878.7), dbSNP rs1979652729, ClinGen allele CA408588230.